The following is an entry in ClinVar:

ClinVar aggregate classification (germline): Likely pathogenic (1 of 4 stars; one submission).

Submission:

GeneDx
Classification: Likely pathogenic. Last evaluated: 2026-01-30. Review status: criteria provided, single submitter. Criteria: GeneDx Variant Classification Process June 2021. Collection method: clinical testing. Allele origin: germline.
Comment: Not observed at significant frequency in large population cohorts (gnomAD); In silico analysis suggests that this missense variant does not alter protein structure/function; Has not been previously published as pathogenic or benign to our knowledge

NM_032892.5(FRMD5):c.1037T>C (p.Met346Thr)

Gene: FRMD5 (FERM domain containing 5; minus strand). Cytogenetic location: 15q15.3.
Variant type: single nucleotide variant.
Coding change: c.1037T>C on transcript NM_032892.5 (MANE Select); coding-DNA position 1037, T replaced by C.
Protein change: p.Met346Thr; replaces methionine 346 with threonine.
Molecular consequence: missense variant. On other transcripts: non-coding transcript variant (1).
Genome position (GRCh38, 1-based): chr15:43,883,801, A>G on the plus strand (T>C on the coding strand, the complement: FRMD5 is on the minus strand). VCF-style: chr15-43883801-A-G. GRCh37 (hg19) VCF-style: chr15-44175999-A-G.
Other names: c.755T>C, p.Met252Thr (NM_001286490.2); c.335T>C, p.Met112Thr (NM_001286491.2); c.1037T>C, p.Met346Thr (NM_001322949.2, NM_001322950.2, NM_001411124.1); c.932T>C, p.Met311Thr (NM_001322951.2); short protein forms M112T, M252T, M311T, M346T.
Identifiers: ClinVar variation 3370256 (VCV003370256.2).